The following is an entry in ClinVar:

ClinVar aggregate classification (germline): Uncertain significance (1 of 4 stars; one submission).

Submission:

Labcorp Genetics (formerly Invitae), Labcorp
Classification: Uncertain significance. Last evaluated: 2022-05-07. Review status: criteria provided, single submitter. Criteria: Invitae Variant Classification Sherloc (09022015). Collection method: clinical testing. Allele origin: germline.
Comment: In summary, the available evidence is currently insufficient to determine the role of this variant in disease. Therefore, it has been classified as a Variant of Uncertain Significance. Algorithms developed to predict the effect of missense changes on protein structure and function are either unavailable or do not agree on the potential impact of this missense change (SIFT: "Tolerated"; PolyPhen-2: "Possibly Damaging"; Align-GVGD: "Class C0"). This sequence change replaces serine, which is neutral and polar, with phenylalanine, which is neutral and non-polar, at codon 820 of the RUSC2 protein (p.Ser820Phe). This variant is not present in population databases (gnomAD no frequency). This variant has not been reported in the literature in individuals affected with RUSC2-related conditions.

NM_014806.5(RUSC2):c.2459C>T (p.Ser820Phe)

Gene: RUSC2 (RUN and SH3 domain containing 2; plus strand). Cytogenetic location: 9p13.3.
Variant type: single nucleotide variant.
Coding change: c.2459C>T on transcript NM_014806.5 (MANE Select); coding-DNA position 2459, C replaced by T.
Protein change: p.Ser820Phe; replaces serine 820 with phenylalanine.
Molecular consequence: missense variant. On other transcripts: 5 prime UTR variant (1), non-coding transcript variant (1).
Genome position (GRCh38, 1-based): chr9:35,555,504, C>T. VCF-style: chr9-35555504-C-T. GRCh37 (hg19) VCF-style: chr9-35555501-C-T.
Other names: c.2459C>T, p.Ser820Phe (NM_001135999.2); c.-176C>T (NM_001330740.2); short protein forms S820F.
Identifiers: ClinVar variation 2118054 (VCV002118054.2), dbSNP rs1285262747, ClinGen allele CA373341935.